The following is an entry in ClinVar:

NM_032043.3(BRIP1):c.2824T>A (p.Cys942Ser)

Gene: BRIP1 (BRCA1 interacting DNA helicase 1; minus strand). Cytogenetic location: 17q23.2.
Variant type: single nucleotide variant.
Coding change: c.2824T>A on transcript NM_032043.3 (MANE Select); coding-DNA position 2824, T replaced by A.
Protein change: p.Cys942Ser; replaces cysteine 942 with serine.
Molecular consequence: missense variant.
Genome position (GRCh38, 1-based): chr17:61,685,917, A>T on the plus strand (T>A on the coding strand, the complement: BRIP1 is on the minus strand). VCF-style: chr17-61685917-A-T. GRCh37 (hg19) VCF-style: chr17-59763278-A-T.
Other names: short protein forms C942S.
Identifiers: ClinVar variation 2088425 (VCV002088425.4), dbSNP rs1567731308, ClinGen allele CA400481441.

ClinVar aggregate classification (germline): Uncertain significance (1 of 4 stars; one submission).

Conditions:
Familial cancer of breast. Also called: hereditary breast carcinoma; Hereditary breast cancer; BREAST CANCER, FAMILIAL. Identifiers: Orphanet 227535, MedGen C0346153, MONDO:0016419, OMIM 114480. Disease mechanism: loss of function.
Fanconi anemia complementation group J. Also called: BRIP1-Related Fanconi Anemia. Identifiers: Orphanet 84, MedGen C1836860, MONDO:0012187, OMIM 609054.

Submission:

Labcorp Genetics (formerly Invitae), Labcorp
Classification: Uncertain significance for Familial cancer of breast; Fanconi anemia complementation group J. Last evaluated: 2022-03-15. Review status: criteria provided, single submitter. Criteria: Invitae Variant Classification Sherloc (09022015). Collection method: clinical testing. Allele origin: germline.
Comment: This variant has not been reported in the literature in individuals affected with BRIP1-related conditions. In summary, the available evidence is currently insufficient to determine the role of this variant in disease. Therefore, it has been classified as a Variant of Uncertain Significance. Algorithms developed to predict the effect of missense changes on protein structure and function output the following: SIFT: "Tolerated"; PolyPhen-2: "Benign"; Align-GVGD: "Class C0". The serine amino acid residue is found in multiple mammalian species, which suggests that this missense change does not adversely affect protein function. This variant is not present in population databases (gnomAD no frequency). This sequence change replaces cysteine, which is neutral and slightly polar, with serine, which is neutral and polar, at codon 942 of the BRIP1 protein (p.Cys942Ser).